The following is an entry in ClinVar:

ClinVar aggregate classification (germline): Uncertain significance (1 of 4 stars; one submission).

Conditions:
Duchenne muscular dystrophy (DMD). Also called: MUSCULAR DYSTROPHY, PSEUDOHYPERTROPHIC PROGRESSIVE, DUCHENNE TYPE; Duchenne Muscular Dystrophy (DMD). Identifiers: Orphanet 98896, MedGen C0013264, MONDO:0010679, OMIM 310200.

gnomAD v4.1: 4 of 1,211,536 alleles (0.00033%); highest among the groups gnomAD compares: Middle Eastern, 0.023%; no homozygotes.

Submission:

Labcorp Genetics (formerly Invitae), Labcorp
Classification: Uncertain significance for Duchenne muscular dystrophy. Last evaluated: 2025-01-29. Review status: criteria provided, single submitter. Criteria: Invitae Variant Classification Sherloc (09022015). Collection method: clinical testing. Allele origin: germline.
Comment: This sequence change replaces lysine, which is basic and polar, with arginine, which is basic and polar, at codon 2729 of the DMD protein (p.Lys2729Arg). This variant is not present in population databases (gnomAD no frequency). This variant has not been reported in the literature in individuals affected with DMD-related conditions. Invitae Evidence Modeling of protein sequence and biophysical properties (such as structural, functional, and spatial information, amino acid conservation, physicochemical variation, residue mobility, and thermodynamic stability) indicates that this missense variant is not expected to disrupt DMD protein function with a negative predictive value of 95%. In summary, the available evidence is currently insufficient to determine the role of this variant in disease. Therefore, it has been classified as a Variant of Uncertain Significance.

NM_004006.3(DMD):c.8186A>G (p.Lys2729Arg)

Gene: DMD (dystrophin; minus strand). Cytogenetic location: Xp21.1.
Variant type: single nucleotide variant.
Coding change: c.8186A>G on transcript NM_004006.3 (MANE Select); coding-DNA position 8186, A replaced by G.
Protein change: p.Lys2729Arg; replaces lysine 2729 with arginine.
Molecular consequence: missense variant.
Genome position (GRCh38, 1-based): chrX:31,627,704, T>C on the plus strand (A>G on the coding strand, the complement: DMD is on the minus strand). VCF-style: chrX-31627704-T-C. GRCh37 (hg19) VCF-style: chrX-31645821-T-C.
Other names: c.8162A>G, p.Lys2721Arg (NM_000109.4); c.8174A>G, p.Lys2725Arg (NM_004009.3); c.7817A>G, p.Lys2606Arg (NM_004010.3); c.4163A>G, p.Lys1388Arg (NM_004011.4); c.4154A>G, p.Lys1385Arg (NM_004012.4); c.806A>G, p.Lys269Arg (NM_004013.3, NM_004020.4, NM_004021.3 and 2 more transcripts); short protein forms K1385R, K1388R, K2606R, K269R, K2721R, K2725R, K2729R.
Identifiers: ClinVar variation 3608518 (VCV003608518.1).